The following is an entry in ClinVar:

NM_020964.3(EPG5):c.6508A>G (p.Ser2170Gly)

Gene: EPG5 (ectopic P-granules 5 autophagy tethering factor; minus strand). Cytogenetic location: 18q12.3.
Variant type: single nucleotide variant.
Coding change: c.6508A>G on transcript NM_020964.3 (MANE Select); coding-DNA position 6508, A replaced by G.
Protein change: p.Ser2170Gly; replaces serine 2170 with glycine.
Molecular consequence: missense variant.
Genome position (GRCh38, 1-based): chr18:45,866,911, T>C on the plus strand (A>G on the coding strand, the complement: EPG5 is on the minus strand). VCF-style: chr18-45866911-T-C. GRCh37 (hg19) VCF-style: chr18-43446876-T-C.
Other names: short protein forms S2170G.
Identifiers: ClinVar variation 1371284 (VCV001371284.4), dbSNP rs2145269888, ClinGen allele CA402339221.
Genomic context (GRCh38, chr18:45,866,911, plus strand): 5'-GCTTCATGATTAATTCAGCATAAGATTCTTTTGCCAGGATGATGGACGGCGGGTAATGGC[T>C]GCTGAAATAACTTAGCACACTCTGGTACGACACAATATCCACAAGATGCCATGAAAGTGA-3'
Protein context (NP_066015.2, residues 2160-2180): SYQSVLSYFS[Ser2170Gly]HYPPSIILAK

ClinVar aggregate classification (germline): Uncertain significance (1 of 4 stars; one submission).

Conditions:
Vici syndrome (VICIS). Identifiers: Orphanet 1493, MedGen C1855772, MONDO:0009452, OMIM 242840.

Submission:

Labcorp Genetics (formerly Invitae), Labcorp
Classification: Uncertain significance for Vici syndrome. Last evaluated: 2022-07-19. Review status: criteria provided, single submitter. Criteria: Invitae Variant Classification Sherloc (09022015). Collection method: clinical testing. Allele origin: germline.
Comment: This sequence change replaces serine, which is neutral and polar, with glycine, which is neutral and non-polar, at codon 2170 of the EPG5 protein (p.Ser2170Gly). This variant is not present in population databases (gnomAD no frequency). This variant has not been reported in the literature in individuals affected with EPG5-related conditions. ClinVar contains an entry for this variant (Variation ID: 1371284). Algorithms developed to predict the effect of missense changes on protein structure and function are either unavailable or do not agree on the potential impact of this missense change (SIFT: "Deleterious"; PolyPhen-2: "Probably Damaging"; Align-GVGD: "Class C0"). In summary, the available evidence is currently insufficient to determine the role of this variant in disease. Therefore, it has been classified as a Variant of Uncertain Significance.